The following is an entry in ClinVar:

NM_001079559.3(HNRNPUL2):c.223G>T (p.Glu75Ter)

Genes: HNRNPUL2 (heterogeneous nuclear ribonucleoprotein U like 2; minus strand), HNRNPUL2-BSCL2 (HNRNPUL2-BSCL2 readthrough (NMD candidate); minus strand), LOC130005850 (ATAC-STARR-seq lymphoblastoid silent region 3427; plus strand). Cytogenetic location: 11q12.3.
Variant type: single nucleotide variant.
Coding change: c.223G>T on transcript NM_001079559.3 (MANE Select); coding-DNA position 223, G replaced by T.
Protein change: p.Glu75Ter; replaces glutamic acid 75 with a stop codon.
Molecular consequence: nonsense. On other transcripts: non-coding transcript variant (1).
Genome position (GRCh38, 1-based): chr11:62,726,934, C>A on the plus strand (G>T on the coding strand, the complement: HNRNPUL2 is on the minus strand). VCF-style: chr11-62726934-C-A. GRCh37 (hg19) VCF-style: chr11-62494406-C-A.
Other names: short protein forms E75*.
Identifiers: ClinVar variation 2636190 (VCV002636190.2), dbSNP rs763589221, ClinGen allele CA380893281.

ClinVar aggregate classification (germline): Likely pathogenic (1 of 4 stars; one submission).

Conditions:
HNRNPUL2-related disorder. Also called: HNRNPUL2-related condition.

Submission:

PreventionGenetics, part of Exact Sciences
Classification: Likely pathogenic for HNRNPUL2-related condition. Last evaluated: 2025-04-07. Review status: criteria provided, single submitter. Criteria: ACMG Guidelines, 2015. Collection method: clinical testing. Allele origin: germline.
Comment: The HNRNPUL2 c.223G>T variant is predicted to result in premature protein termination (p.Glu75*). To our knowledge, this variant has not been reported in the literature or in a large population database (gnomAD), indicating it is rare. Loss-of-function variants in HNRNPUL2 are expected to be pathogenic. This variant is classified as likely pathogenic.